The following is an entry in ClinVar:

ClinVar aggregate classification (germline): Pathogenic (1 of 4 stars; one submission).

Conditions:
Early-infantile DEE. Also called: Early infantile epileptic encephalopathy; Ohtahara syndrome; Early infantile epileptic encephalopathy with suppression bursts. Identifiers: Orphanet 1934, MedGen C0393706, MONDO:0800491.

Submission:

Labcorp Genetics (formerly Invitae), Labcorp
Classification: Pathogenic for Early-infantile DEE. Last evaluated: 2024-02-13. Review status: criteria provided, single submitter. Criteria: Invitae Variant Classification Sherloc (09022015). Collection method: clinical testing. Allele origin: germline.
Comment: This variant, c.5155_5205del, results in the deletion of 17 amino acid(s) of the SCN1A protein (p.Gln1719_Asn1735del), but otherwise preserves the integrity of the reading frame. This variant is not present in population databases (gnomAD no frequency). This variant has not been reported in the literature in individuals affected with SCN1A-related conditions. This variant disrupts a region of the SCN1A protein in which other variant(s) (p.Pro1732Leu) have been determined to be pathogenic (PMID: 30805006). This suggests that this is a clinically significant region of the protein, and that variants that disrupt it are likely to be disease-causing. For these reasons, this variant has been classified as Pathogenic.

Literature cited by the submitters: PubMed 30805006.

NM_001165963.4(SCN1A):c.5155_5205del (p.Gln1719_Asn1735del)

Genes: SCN1A (sodium voltage-gated channel alpha subunit 1; minus strand), LOC102724058 (uncharacterized LOC102724058; plus strand). Cytogenetic location: 2q24.3.
Variant type: Deletion.
Coding change: c.5155_5205del on transcript NM_001165963.4 (MANE Select); coding-DNA positions 5155 to 5205, 51 bases deleted.
Protein change: p.Gln1719_Asn1735del.
Molecular consequence: non-coding transcript variant (on NR_148667.2).
Genome position (GRCh38, 1-based): chr2:165,992,070-165,992,120, 51 bases deleted. GRCh37 (hg19): chr2:166,848,581-166,848,631.
Other names: c.5071_5121del, p.Gln1691_Asn1707del (NM_001165964.3, NM_001353957.2, NM_001353958.2); c.5155_5205del, p.Gln1719_Asn1735del (NM_001202435.3, NM_001353948.2); c.5122_5172del, p.Gln1708_Asn1724del (NM_001353949.2, NM_001353950.2, NM_001353951.2 and 2 more transcripts); c.5119_5169del, p.Gln1707_Asn1723del (NM_001353954.2, NM_001353955.2); c.5068_5118del, p.Gln1690_Asn1706del (NM_001353960.2); c.2713_2763del, p.Gln905_Asn921del (NM_001353961.2).
Identifiers: ClinVar variation 3640461 (VCV003640461.2).